The following is an entry in ClinVar:

NM_000071.3(CBS):c.505A>T (p.Met169Leu)

Gene: CBS (cystathionine beta-synthase; minus strand). Cytogenetic location: 21q22.3.
Variant type: single nucleotide variant.
Coding change: c.505A>T on transcript NM_000071.3 (MANE Select); coding-DNA position 505, A replaced by T.
Protein change: p.Met169Leu; replaces methionine 169 with leucine.
Molecular consequence: missense variant.
Genome position (GRCh38, 1-based): chr21:43,065,642, T>A on the plus strand (A>T on the coding strand, the complement: CBS is on the minus strand). VCF-style: chr21-43065642-T-A. GRCh37 (hg19) VCF-style: chr21-44485752-T-A.
Other names: c.505A>T, p.Met169Leu (NM_001178008.3, NM_001178009.3, NM_001320298.2); c.190A>T, p.Met64Leu (NM_001321072.1); short protein forms M64L, M169L.
Identifiers: ClinVar variation 1448081 (VCV001448081.8), dbSNP rs1371228792, ClinGen allele CA410601362.

ClinVar aggregate classification (germline): Uncertain significance (1 of 4 stars; one submission).

Conditions:
HYPERHOMOCYSTEINEMIA, THROMBOTIC, CBS-RELATED. Identifiers: MedGen C3150344, OMIM 236200.

Allele frequency attached by ClinVar (database versions not stated): gnomAD exomes 0.00001.

Submission:

Labcorp Genetics (formerly Invitae), Labcorp
Classification: Uncertain significance for HYPERHOMOCYSTEINEMIA, THROMBOTIC, CBS-RELATED. Last evaluated: 2022-03-26. Review status: criteria provided, single submitter. Criteria: Invitae Variant Classification Sherloc (09022015). Collection method: clinical testing. Allele origin: germline.
Comment: In summary, the available evidence is currently insufficient to determine the role of this variant in disease. Therefore, it has been classified as a Variant of Uncertain Significance. Algorithms developed to predict the effect of missense changes on protein structure and function (SIFT, PolyPhen-2, Align-GVGD) all suggest that this variant is likely to be tolerated. This variant has not been reported in the literature in individuals affected with CBS-related conditions. This variant is present in population databases (no rsID available, gnomAD 0.001%). This sequence change replaces methionine, which is neutral and non-polar, with leucine, which is neutral and non-polar, at codon 169 of the CBS protein (p.Met169Leu).